The following is an entry in ClinVar:

NM_014491.4(FOXP2):c.737del (p.Pro246fs)

Gene: FOXP2 (forkhead box P2; plus strand). Cytogenetic location: 7q31.1.
Variant type: Deletion.
Coding change: c.737del on transcript NM_014491.4 (MANE Select); coding-DNA position 737, one base deleted (C; older notation c.737delC).
Protein change: p.Pro246fs; shifts the reading frame from proline 246.
Molecular consequence: frameshift variant. On other transcripts: non-coding transcript variant (2).
Genome position (GRCh38, 1-based): chr7:114,631,667, C deleted; the last of 2 consecutive C bases (chr7:114,631,666-114,631,667); deleting either gives the same sequence. VCF-style (leftmost placement, unchanged base first): chr7-114631665-AC-A. GRCh37 (hg19) VCF-style: chr7-114271720-AC-A.
Other names: c.788del, p.Pro263fs (NM_148900.4); c.734del, p.Pro245fs (NM_001172766.3); c.812del, p.Pro271fs (NM_001172767.2, NM_148898.4); c.737del, p.Pro246fs (NM_148899.3); short protein forms P245fs, P246fs, P263fs, P271fs.
Identifiers: ClinVar variation 4526935 (VCV004526935.1).
Genomic context (GRCh38, chr7:114,631,665, plus strand): 5'-ACAACTCCAGCAGCAGCAGCATCTGCTCAGCCTTCAGCGTCAGGGACTCATCTCCATTCC[AC>A]CTGGCCAGGCAGCACTTCCTGTCCAATCGCTGCCTCAAGGTACATACAAAATGTTGTGCA-3'

ClinVar aggregate classification (germline): Likely pathogenic (1 of 4 stars; one submission).

Submission:

GeneDx
Classification: Likely pathogenic. Last evaluated: 2025-05-08. Review status: criteria provided, single submitter. Criteria: GeneDx Variant Classification Process June 2021. Collection method: clinical testing. Allele origin: germline. Affected: yes.
Comment: Frameshift variant predicted to result in protein truncation or nonsense mediated decay in a gene for which loss of function is a known mechanism of disease; Not observed at significant frequency in large population cohorts (gnomAD); Has not been previously published as pathogenic or benign to our knowledge